The following is an entry in ClinVar:

ClinVar aggregate classification (germline): Pathogenic (1 of 4 stars; one submission).

Conditions:
Pyruvate carboxylase deficiency. Also called: PC DEFICIENCY; ATAXIA WITH LACTIC ACIDOSIS II; LEIGH NECROTIZING ENCEPHALOPATHY DUE TO PYRUVATE CARBOXYLASE DEFICIENCY; LEIGH SYNDROME DUE TO PYRUVATE CARBOXYLASE DEFICIENCY; Pyruvate Carboxylase Deficiency Disease. Identifiers: Orphanet 3008, MedGen C0034341, MONDO:0009949, OMIM 266150.

Submission:

Labcorp Genetics (formerly Invitae), Labcorp
Classification: Pathogenic for Pyruvate carboxylase deficiency. Last evaluated: 2022-12-15. Review status: criteria provided, single submitter. Criteria: Invitae Variant Classification Sherloc (09022015). Collection method: clinical testing. Allele origin: germline.
Comment: This sequence change creates a premature translational stop signal (p.Asp916Glyfs*51) in the PC gene. It is expected to result in an absent or disrupted protein product. Loss-of-function variants in PC are known to be pathogenic (PMID: 12112657, 19306334). This variant is not present in population databases (gnomAD no frequency). This variant has not been reported in the literature in individuals affected with PC-related conditions. For these reasons, this variant has been classified as Pathogenic.

Literature cited by the submitters: PubMed 12112657; PubMed 19306334.

NM_001040716.2(PC):c.2746dup (p.Asp916fs)

Gene: PC (pyruvate carboxylase; minus strand). Cytogenetic location: 11q13.2.
Variant type: Duplication.
Coding change: c.2746dup on transcript NM_001040716.2 (MANE Select); coding-DNA position 2746, one base duplicated (G; older notation c.2746dupG).
Protein change: p.Asp916fs; shifts the reading frame from aspartic acid 916.
Molecular consequence: frameshift variant.
Genome position (GRCh38, 1-based): chr11:66,850,089, C duplicated on the plus strand (G on the coding strand, the reverse complement: PC is on the minus strand); the first of 5 consecutive C bases (chr11:66,850,089-66,850,093); duplicating any one gives the same sequence. VCF-style (leftmost placement, unchanged base first): chr11-66850088-T-TC. GRCh37 (hg19) VCF-style: chr11-66617559-T-TC.
Other names: c.2746dup, p.Asp916fs (NM_000920.4, NM_022172.3); short protein forms D916fs.
Identifiers: ClinVar variation 2821199 (VCV002821199.3), dbSNP rs2495416125, ClinGen allele CA2739270594.